The following is an entry in ClinVar:

NM_002618.4(PEX13):c.14C>T (p.Pro5Leu)

Genes: PEX13 (peroxisomal biogenesis factor 13; plus strand), PUS10 (pseudouridine synthase 10; minus strand). Cytogenetic location: 2p15.
Variant type: single nucleotide variant.
Coding change: c.14C>T on transcript NM_002618.4 (MANE Select); coding-DNA position 14, C replaced by T.
Protein change: p.Pro5Leu; replaces proline 5 with leucine.
Molecular consequence: missense variant. On other transcripts: intron variant (2).
Genome position (GRCh38, 1-based): chr2:61,017,773, C>T. VCF-style: chr2-61017773-C-T. GRCh37 (hg19) VCF-style: chr2-61244908-C-T.
Other names: c.-16+235G>A (NM_144709.4); c.-623+235G>A (NM_001322127.1); short protein forms P5L.
Identifiers: ClinVar variation 862694 (VCV000862694.5), dbSNP rs898062680, ClinGen allele CA48328106.
Genomic context (GRCh38, chr2:61,017,773, plus strand): 5'-CCTGGACAGTCAGGGGTAGGAGCGGGAGCCGAGAGGAGGCGGAGGAGATGGCGTCCCAGC[C>T]GCCACCTCCCCCCAAACCCTGGGAGACCCGCCGAATTCCGGGAGCCGGACCGGGACCAGG-3'
Protein context (NP_002609.1, residues 1-15): MASQ[Pro5Leu]PPPPKPWETR

ClinVar aggregate classification (germline): Uncertain significance. Review status: criteria provided, multiple submitters, no conflicts (2 of 4 stars). 2 submissions from 2 submitters: Uncertain significance (2). Last evaluated 2022-08-31.

Conditions:
Inborn genetic diseases. Identifiers: MedGen C0950123, MeSH D030342.
Peroxisome biogenesis disorder 11A (Zellweger). Also called: Peroxisome biogenesis disorder 11A. Identifiers: Orphanet 912, MedGen C3554000, MONDO:0013949, OMIM 614883.

Allele frequency attached by ClinVar (database versions not stated): gnomAD 0.00001; gnomAD exomes 0.00001; TOPMed 0.00001.
gnomAD v4.1: 18 of 1,549,670 alleles (0.0012%); highest among the groups gnomAD compares: Non-Finnish European, 0.0015%; no homozygotes.

Submissions (2):

Labcorp Genetics (formerly Invitae), Labcorp
Classification: Uncertain significance for Peroxisome biogenesis disorder 11A (Zellweger). Last evaluated: 2022-08-31. Review status: criteria provided, single submitter. Criteria: Invitae Variant Classification Sherloc (09022015). Collection method: clinical testing. Allele origin: germline.
Comment: This sequence change replaces proline, which is neutral and non-polar, with leucine, which is neutral and non-polar, at codon 5 of the PEX13 protein (p.Pro5Leu). This variant is present in population databases (no rsID available, gnomAD 0.004%). This variant has not been reported in the literature in individuals affected with PEX13-related conditions. ClinVar contains an entry for this variant (Variation ID: 862694). Algorithms developed to predict the effect of missense changes on protein structure and function (SIFT, PolyPhen-2, Align-GVGD) all suggest that this variant is likely to be tolerated. In summary, the available evidence is currently insufficient to determine the role of this variant in disease. Therefore, it has been classified as a Variant of Uncertain Significance.

Ambry Genetics
Classification: Uncertain significance for Inborn genetic diseases. Last evaluated: 2021-06-05. Review status: criteria provided, single submitter. Criteria: Ambry Variant Classification Scheme 2023. Collection method: clinical testing. Allele origin: germline.